The following is an entry in ClinVar:

NM_001010909.5(MUC21):c.531C>T (p.Ala177=)

Gene: MUC21 (mucin 21, cell surface associated; plus strand). Cytogenetic location: 6p21.33.
Variant type: single nucleotide variant.
Coding change: c.531C>T on transcript NM_001010909.5 (MANE Select); coding-DNA position 531, C replaced by T.
Protein change: p.Ala177=; no amino-acid change (alanine 177 retained).
Molecular consequence: synonymous variant. On other transcripts: non-coding transcript variant (1).
Genome position (GRCh38, 1-based): chr6:30,986,706, C>T. VCF-style: chr6-30986706-C-T. GRCh37 (hg19) VCF-style: chr6-30954483-C-T.
Other names: c.621C>T, p.Ala207= (NM_001322370.2, NM_001322371.2).
Identifiers: ClinVar variation 3067198 (VCV003067198.21), dbSNP rs759327221, ClinGen allele CA3707171.

ClinVar aggregate classification (germline): Likely benign (1 of 4 stars; one submission).

Allele frequency attached by ClinVar (database versions not stated): ExAC 0.00001.

Submission:

CeGaT Center for Human Genetics Tuebingen
Classification: Likely benign. Last evaluated: 2025-07-01. Review status: criteria provided, single submitter. Criteria: CeGaT Center For Human Genetics Tuebingen Variant Classification Criteria Version 2. Collection method: clinical testing. Allele origin: germline. Affected: yes. Observed: 2 variant alleles.
Comment: MUC21: BP4, BP7